The following is an entry in ClinVar:

NM_001127222.2(CACNA1A):c.3479C>G (p.Ala1160Gly)

Gene: CACNA1A (calcium voltage-gated channel subunit alpha1 A; minus strand). Cytogenetic location: 19p13.13.
Variant type: single nucleotide variant.
Coding change: c.3479C>G on transcript NM_001127222.2 (MANE Select); coding-DNA position 3479, C replaced by G.
Protein change: p.Ala1160Gly; replaces alanine 1160 with glycine.
Molecular consequence: missense variant.
Genome position (GRCh38, 1-based): chr19:13,286,577, G>C on the plus strand (C>G on the coding strand, the complement: CACNA1A is on the minus strand). VCF-style: chr19-13286577-G-C. GRCh37 (hg19) VCF-style: chr19-13397391-G-C.
Other names: c.3491C>G, p.Ala1164Gly (NM_000068.4, NM_023035.3); c.3482C>G, p.Ala1161Gly (NM_001127221.2, NM_001174080.2); short protein forms A1164G, A1160G, A1161G.
Identifiers: ClinVar variation 835465 (VCV000835465.11), dbSNP rs766027931, ClinGen allele CA404341287.

ClinVar aggregate classification (germline): Uncertain significance. Review status: criteria provided, multiple submitters, no conflicts (2 of 4 stars). 2 submissions from 2 submitters: Uncertain significance (2). Last evaluated 2024-05-16.

Conditions:
Developmental and epileptic encephalopathy, 42 (DEE42A). Also called: Epileptic encephalopathy, early infantile, 42; DEVELOPMENTAL AND EPILEPTIC ENCEPHALOPATHY 42A; EPILEPTIC ENCEPHALOPATHY, EARLY INFANTILE, 42A. Identifiers: MedGen C4310716, MONDO:0014917, OMIM 617106.
Episodic ataxia type 2 (EA2). Also called: EPISODIC ATAXIA, NYSTAGMUS-ASSOCIATED; ACETAZOLAMIDE-RESPONSIVE HEREDITARY PAROXYSMAL CEREBELLAR ATAXIA; ATAXIA, EPISODIC, WITH NYSTAGMUS; ATAXIA, FAMILIAL PAROXYSMAL; CEREBELLAR ATAXIA, PAROXYSMAL, ACETAZOLAMIDE-RESPONSIVE; CEREBELLOPATHY, HEREDITARY PAROXYSMAL. Identifiers: Orphanet 97, MedGen C1720416, MONDO:0007163, OMIM 108500.

Submissions (2):

GeneDx
Classification: Uncertain significance. Last evaluated: 2024-05-16. Review status: criteria provided, single submitter. Criteria: GeneDx Variant Classification Process June 2021. Collection method: clinical testing. Allele origin: germline. Affected: yes.
Comment: Not observed at significant frequency in large population cohorts (gnomAD); In silico analysis indicates that this missense variant does not alter protein structure/function; Has not been previously published as pathogenic or benign to our knowledge

Labcorp Genetics (formerly Invitae), Labcorp
Classification: Uncertain significance for Developmental and epileptic encephalopathy, 42; Episodic ataxia type 2. Last evaluated: 2019-03-13. Review status: criteria provided, single submitter. Criteria: Invitae Variant Classification Sherloc (09022015). Collection method: clinical testing. Allele origin: germline.
Comment: This variant is not present in population databases (ExAC no frequency). In summary, the available evidence is currently insufficient to determine the role of this variant in disease. Therefore, it has been classified as a Variant of Uncertain Significance. Algorithms developed to predict the effect of missense changes on protein structure and function (SIFT, PolyPhen-2, Align-GVGD) all suggest that this variant is likely to be tolerated, but these predictions have not been confirmed by published functional studies and their clinical significance is uncertain. This variant has not been reported in the literature in individuals with CACNA1A-related conditions. This sequence change replaces alanine with glycine at codon 1161 of the CACNA1A protein (p.Ala1161Gly). The alanine residue is moderately conserved and there is a small physicochemical difference between alanine and glycine.